The following is an entry in ClinVar:

ClinVar aggregate classification (germline): Uncertain significance. Review status: criteria provided, multiple submitters, no conflicts (2 of 4 stars). 2 submissions from 2 submitters: Uncertain significance (2). Last evaluated 2025-06-19.

Conditions:
SMARCC2-related disorder. Also called: SMARCC2-related condition.

Allele frequency attached by ClinVar (database versions not stated): gnomAD exomes below 0.00001.

Submissions (2):

PreventionGenetics, part of Exact Sciences
Classification: Uncertain significance for SMARCC2-related condition. Last evaluated: 2025-06-19. Review status: criteria provided, single submitter. Criteria: ACMG Guidelines, 2015. Collection method: clinical testing. Allele origin: germline.
Comment: The SMARCC2 c.736G>A variant is predicted to result in the amino acid substitution p.Asp246Asn. To our knowledge, this variant has not been reported in the literature or in a large population database (gnomAD), indicating this variant is rare. At this time, the clinical significance of this variant is uncertain due to the absence of conclusive functional and genetic evidence.

GeneDx
Classification: Uncertain significance. Last evaluated: 2022-12-02. Review status: criteria provided, single submitter. Criteria: GeneDx Variant Classification Process June 2021. Collection method: clinical testing. Allele origin: germline. Affected: yes.
Comment: Not observed at significant frequency in large population cohorts (gnomAD); In silico analysis supports that this missense variant has a deleterious effect on protein structure/function; Has not been previously published as pathogenic or benign to our knowledge

NM_001330288.2(SMARCC2):c.736G>A (p.Asp246Asn)

Gene: SMARCC2 (SWI/SNF related BAF chromatin remodeling complex subunit C2; minus strand). Cytogenetic location: 12q13.2.
Variant type: single nucleotide variant.
Coding change: c.736G>A on transcript NM_001330288.2 (MANE Select); coding-DNA position 736, G replaced by A.
Protein change: p.Asp246Asn; replaces aspartic acid 246 with asparagine.
Molecular consequence: missense variant.
Genome position (GRCh38, 1-based): chr12:56,181,808, C>T on the plus strand (G>A on the coding strand, the complement: SMARCC2 is on the minus strand). VCF-style: chr12-56181808-C-T. GRCh37 (hg19) VCF-style: chr12-56575592-C-T.
Other names: c.736G>A (NM_003075.4); c.736G>A, p.Asp246Asn (NM_001130420.3, NM_003075.5, NM_139067.4); short protein forms D246N.
Identifiers: ClinVar variation 2504220 (VCV002504220.2), dbSNP rs2540941291, ClinGen allele CA385353823.
Genomic context (GRCh38, chr12:56,181,808, plus strand): 5'-CAGGGTTTTTGTCATCATTTACTTCATAGTCTTCCTCATTCATCCATTCATTGAAGGTGT[C>T]GGTGTCCAGGATCCACTTTGCATGAACCTAAAGTACAAAGGCAGATCATGCTGCAGAGAA-3'
Protein context (NP_001317217.1, residues 236-256): KVHAKWILDT[Asp246Asn]TFNEWMNEED